The following is an entry in ClinVar:

ClinVar aggregate classification (germline): Likely benign (1 of 4 stars; one submission).

Conditions:
Breast-ovarian cancer, familial, susceptibility to, 1 (BROVCA1). Also called: OVARIAN CANCER, SUSCEPTIBILITY TO; BRCA1 Hereditary Breast and Ovarian Cancer. Identifiers: Orphanet 145, MedGen C2676676, MONDO:0011450, OMIM 604370. Disease mechanism: loss of function.

gnomAD v4.1: 1 of 1,611,408 alleles (0.000062%); highest among the groups gnomAD compares: South Asian, 0.0011%; no homozygotes.

Submission:

Cancer Bioinformatics and Tumour Evolution Laboratory, Monash University
Classification: Likely benign for Breast-ovarian cancer, familial, susceptibility to, 1. Last evaluated: 2026-05-01. Review status: criteria provided, single submitter. Criteria: ClinGen BRCA1 and BRCA2 Guidelines, 2024. Collection method: curation. Allele origin: germline. Inheritance: Autosomal dominant inheritance.
Comment: Missense variant outside of a functional domain with no splice impact. BRCA1 and BRCA2 VCEP guidelines recommend application of BP1_Strong (PMID: 39142283)

NM_007294.4(BRCA1):c.4168G>T (p.Asp1390Tyr)

Gene: BRCA1 (BRCA1 DNA repair associated; minus strand). Cytogenetic location: 17q21.31.
Variant type: single nucleotide variant.
Coding change: c.4168G>T on transcript NM_007294.4 (MANE Select); coding-DNA position 4168, G replaced by T.
Protein change: p.Asp1390Tyr; replaces aspartic acid 1390 with tyrosine.
Molecular consequence: missense variant.
Genome position (GRCh38, 1-based): chr17:43,090,961, C>A on the plus strand (G>T on the coding strand, the complement: BRCA1 is on the minus strand). VCF-style: chr17-43090961-C-A. GRCh37 (hg19) VCF-style: chr17-41242978-C-A.
Other names: c.595G>T, p.Asp199Tyr (NM_001408497.1, NM_001408498.1, NM_001408499.1 and 3 more transcripts); c.526G>T, p.Asp176Tyr (NM_001408502.1); c.592G>T, p.Asp198Tyr (NM_001408503.1, NM_001408504.1, NM_001408505.1); c.4027G>T, p.Asp1343Tyr (NM_007297.4, NM_001407942.1, NM_001407944.1 and 29 more transcripts); c.859G>T, p.Asp287Tyr (NM_007298.4, NM_007299.4, NM_001407980.1 and 17 more transcripts); c.4168G>T, p.Asp1390Tyr (NM_007300.4, NM_001407593.1, NM_001407594.1 and 30 more transcripts); c.4165G>T, p.Asp1389Tyr (NM_001407591.1, NM_001407610.1, NM_001407587.1 and 22 more transcripts); c.3955G>T, p.Asp1319Tyr (NM_001407571.1, NM_001407916.1, NM_001407917.1 and 9 more transcripts); and 41 more; short protein forms D1094Y, D119Y, D1222Y, D1262Y, D1263Y, D1278Y, D1279Y, D1301Y.
Identifiers: ClinVar variation 4856580 (VCV004856580.1).